The following is an entry in ClinVar:

ClinVar aggregate classification (germline): Pathogenic. Review status: reviewed by expert panel (3 of 4 stars). 4 submissions from 4 submitters: Pathogenic (1). 3 of the submissions do not count toward it. Last evaluated 2023-09-21.

Conditions:
Hereditary antithrombin deficiency (AT3D). Also called: Antithrombin deficiency; Thrombophilia due to antithrombin III deficiency; Antithrombin III deficiency; Reduced antithrombin III activity. Identifiers: Orphanet 82, MedGen C0272375, MONDO:0013144, OMIM 613118, HP:0001976.

Allele frequency attached by ClinVar (database versions not stated): TOPMed below 0.00001.

Submissions (4):

Clingen Thrombosis Variant Curation Expert Panel, ClinGen
Classification: Pathogenic for Hereditary antithrombin deficiency. Last evaluated: 2023-09-21. Review status: reviewed by expert panel. Criteria: ClinGen ACMG Specifications SERPINC1 V1.0.0. Collection method: curation. Allele origin: germline. Inheritance: Autosomal dominant inheritance.
Comment: The NM_000488.4(SERPINC1):c.953C>T variant predicts a Pro318Leu missense change. It is absent from gnomAD v2.1.1 and v3.1.2, meeting criteria for PM2_Supporting. It has a REVEL score of 0.956 and meets PP3 (threshold >0.6). At least 2 probands with AT deficiency (and repeat sampling) are reported in the literature (PP4) and 8 probands with AT deficiency and a positive family history are noted from internal VCEP data, meeting criteria for PS4_Very Strong. In summary, this variant meets criteria to be classified as pathogenic. ACMG/AMP criteria applied, as specified by the Thrombosis Variant Curation Expert Panel for SERPINC1: PS4_Very Strong, PP3, PP4, PM2_Supporting.

Mayo Clinic Laboratories, Mayo Clinic
Classification: Likely pathogenic. Last evaluated: 2024-05-02. Review status: criteria provided, single submitter. Criteria: ACMG Guidelines, 2015. Collection method: clinical testing. Allele origin: germline. Observed: 1 variant allele. Not counted in ClinVar's aggregate classification.
Comment: PP1, PP3, PP5, PM2_moderate, PS4_moderate

NIHR Bioresource Rare Diseases, University of Cambridge
Classification: Likely pathogenic for Hereditary antithrombin deficiency. Last evaluated: 2019-02-01. Review status: criteria provided, single submitter. Criteria: ACMG Guidelines, 2015. Collection method: research. Allele origin: unknown. Affected: yes. Observed: 1 heterozygote. Study: ThromboGenomics. Not counted in ClinVar's aggregate classification.

ISTH-SSC Genomics in Thrombosis and Hemostasis, KU Leuven, Center for Molecular and Vascular Biology
Classification: Likely pathogenic for Hereditary antithrombin deficiency. Review status: criteria provided, single submitter. Criteria: ACMG Guidelines, 2015. Collection method: clinical testing. Allele origin: germline. Affected: yes. Observed: 1 heterozygote. Not counted in ClinVar's aggregate classification.
Comment: Submitted to the GoldVariant database by Kathleen Freson, Center for Molecular and Vascular Biology

Literature cited by the submitters: PubMed 16705712 (cited by Mayo Clinic Laboratories, Mayo Clinic); PubMed 24966143 (cited by Mayo Clinic Laboratories, Mayo Clinic); PubMed 28300866 (cited by Mayo Clinic Laboratories, Mayo Clinic); PubMed 30975910 (cited by Mayo Clinic Laboratories, Mayo Clinic); PubMed 31064749 (cited by Mayo Clinic Laboratories, Mayo Clinic and NIHR Bioresource Rare Diseases, University of Cambridge).

NM_000488.4(SERPINC1):c.953C>T (p.Pro318Leu)

Gene: SERPINC1 (serpin family C member 1; minus strand). Cytogenetic location: 1q25.1.
Variant type: single nucleotide variant.
Coding change: c.953C>T on transcript NM_000488.4 (MANE Select); coding-DNA position 953, C replaced by T.
Protein change: p.Pro318Leu; replaces proline 318 with leucine.
Molecular consequence: missense variant.
Genome position (GRCh38, 1-based): chr1:173,909,752, G>A on the plus strand (C>T on the coding strand, the complement: SERPINC1 is on the minus strand). VCF-style: chr1-173909752-G-A. GRCh37 (hg19) VCF-style: chr1-173878890-G-A.
Other names: NM_000488.4(SERPINC1):c.953C>T; p.Pro318Leu; c.809C>T, p.Pro270Leu (NM_001365052.2); c.1076C>T, p.Pro359Leu (NM_001386302.1); c.1034C>T, p.Pro345Leu (NM_001386303.1); c.932C>T, p.Pro311Leu (NM_001386304.1); c.896C>T, p.Pro299Leu (NM_001386305.1); c.737C>T, p.Pro246Leu (NM_001386306.1); short protein forms P318L, P270L, P246L, P299L, P311L, P345L, P359L.
Identifiers: ClinVar variation 627161 (VCV000627161.7), dbSNP rs1460568494, ClinGen allele CA343774114.